The following is an entry in ClinVar:

ClinVar aggregate classification (germline): Uncertain significance (1 of 4 stars; one submission).

Submission:

GeneDx
Classification: Uncertain significance. Last evaluated: 2023-01-16. Review status: criteria provided, single submitter. Criteria: GeneDx Variant Classification Process June 2021. Collection method: clinical testing. Allele origin: germline. Affected: yes.
Comment: Not observed at significant frequency in large population cohorts (gnomAD); In silico analysis supports that this missense variant has a deleterious effect on protein structure/function; Has not been previously published as pathogenic or benign to our knowledge

NM_001270.4(CHD1):c.2143A>G (p.Arg715Gly)

Gene: CHD1 (chromodomain helicase DNA binding protein 1; minus strand). Cytogenetic location: 5q15.
Variant type: single nucleotide variant.
Coding change: c.2143A>G on transcript NM_001270.4 (MANE Select); coding-DNA position 2143, A replaced by G.
Protein change: p.Arg715Gly; replaces arginine 715 with glycine.
Molecular consequence: missense variant. On other transcripts: non-coding transcript variant (2).
Genome position (GRCh38, 1-based): chr5:98,892,562, T>C on the plus strand (A>G on the coding strand, the complement: CHD1 is on the minus strand). VCF-style: chr5-98892562-T-C. GRCh37 (hg19) VCF-style: chr5-98228266-T-C.
Other names: c.2143A>G, p.Arg715Gly (NM_001364113.3, NM_001376194.2); short protein forms R715G.
Identifiers: ClinVar variation 2573931 (VCV002573931.1), dbSNP rs2479637785, ClinGen allele CA360515663.